The following is an entry in ClinVar:

ClinVar aggregate classification (germline): Uncertain significance (1 of 4 stars; one submission).

Submission:

Mayo Clinic Laboratories, Mayo Clinic
Classification: Uncertain significance. Last evaluated: 2024-03-08. Review status: criteria provided, single submitter. Criteria: ACMG Guidelines, 2015. Collection method: clinical testing. Allele origin: germline. Observed: 1 variant allele.
Comment: PM2_moderate

NM_000264.5(PTCH1):c.440T>G (p.Ile147Ser)

Gene: PTCH1 (patched 1; minus strand). Cytogenetic location: 9q22.32.
Variant type: single nucleotide variant.
Coding change: c.440T>G on transcript NM_000264.5 (MANE Select); coding-DNA position 440, T replaced by G.
Protein change: p.Ile147Ser; replaces isoleucine 147 with serine.
Molecular consequence: missense variant. On other transcripts: 5 prime UTR variant (4), non-coding transcript variant (1).
Genome position (GRCh38, 1-based): chr9:95,485,829, A>C on the plus strand (T>G on the coding strand, the complement: PTCH1 is on the minus strand). VCF-style: chr9-95485829-A-C. GRCh37 (hg19) VCF-style: chr9-98248111-A-C.
Other names: p.Ile147Ser; c.242T>G, p.Ile81Ser (NM_001083602.3, NM_001354919.2); c.437T>G, p.Ile146Ser (NM_001083603.3); c.-14T>G (NM_001083604.3, NM_001083605.3, NM_001083606.3 and 1 more transcripts); c.440T>G, p.Ile147Ser (NM_001354918.2); short protein forms I146S, I147S, I81S.
Identifiers: ClinVar variation 3379880 (VCV003379880.1).